The following is an entry in ClinVar:

ClinVar aggregate classification (germline): Likely benign. Review status: criteria provided, multiple submitters, no conflicts (2 of 4 stars). 2 submissions from 2 submitters: Likely benign (2). Last evaluated 2026-07-07.

Conditions:
Rhabdoid tumor predisposition syndrome 2 (RTPS2). Identifiers: Orphanet 231108, Orphanet 69077, MedGen C2750074, MONDO:0013224, OMIM 613325.

Allele frequency attached by ClinVar (database versions not stated): gnomAD 0.00001; gnomAD exomes 0.00001 and 0.00002; TOPMed 0.00001; ExAC 0.00003.
gnomAD v4.1: 23 of 1,608,344 alleles (0.0014%); highest among the groups gnomAD compares: Middle Eastern, 0.033%; 1 homozygote.

Submissions (2):

Myriad Genetics, Inc.
Classification: Likely benign for Rhabdoid tumor predisposition syndrome 2. Last evaluated: 2026-07-07. Review status: criteria provided, single submitter. Criteria: Myriad Autosomal Dominant, Autosomal Recessive and X-Linked Classification Criteria (2023). Collection method: clinical testing. Allele origin: unknown.
Comment: This variant is considered likely benign. This variant is intronic and is not expected to impact mRNA splicing.

Labcorp Genetics (formerly Invitae), Labcorp
Classification: Likely benign for Rhabdoid tumor predisposition syndrome 2. Last evaluated: 2025-12-17. Review status: criteria provided, single submitter. Criteria: Invitae Variant Classification Sherloc (09022015). Collection method: clinical testing. Allele origin: germline.

NM_003072.5(SMARCA4):c.3546+8C>T

Gene: SMARCA4 (SWI/SNF related BAF chromatin remodeling complex subunit ATPase 4; plus strand). Cytogenetic location: 19p13.2.
Variant type: single nucleotide variant.
Coding change: c.3546+8C>T on transcript NM_003072.5 (MANE Select); 8 bases into the intron after coding-DNA position 3546, C replaced by T.
Molecular consequence: intron variant.
Genome position (GRCh38, 1-based): chr19:11,030,901, C>T. VCF-style: chr19-11030901-C-T. GRCh37 (hg19) VCF-style: chr19-11141577-C-T.
Other names: c.3546+8C>T (NM_001128844.3, NM_001128849.3, NM_001128847.4 and 5 more transcripts).
Identifiers: ClinVar variation 470360 (VCV000470360.12), dbSNP rs768145474, ClinGen allele CA9204440.